The following is an entry in ClinVar:

ClinVar aggregate classification (germline): Uncertain significance (1 of 4 stars; one submission).

Submission:

Labcorp Genetics (formerly Invitae), Labcorp
Classification: Uncertain significance. Last evaluated: 2023-02-24. Review status: criteria provided, single submitter. Criteria: Invitae Variant Classification Sherloc (09022015). Collection method: clinical testing. Allele origin: germline.
Comment: In summary, the available evidence is currently insufficient to determine the role of this variant in disease. Therefore, it has been classified as a Variant of Uncertain Significance. An algorithm developed to predict the effect of missense changes on protein structure and function (PolyPhen-2) suggests that this variant is likely to be tolerated. This variant has not been reported in the literature in individuals affected with ZNF469-related conditions. This variant is not present in population databases (gnomAD no frequency). This sequence change replaces glycine, which is neutral and non-polar, with arginine, which is basic and polar, at codon 970 of the ZNF469 protein (p.Gly970Arg).

NM_001367624.2(ZNF469):c.2908G>C (p.Gly970Arg)

Gene: ZNF469 (zinc finger protein 469; plus strand). Cytogenetic location: 16q24.2.
Variant type: single nucleotide variant.
Coding change: c.2908G>C on transcript NM_001367624.2 (MANE Select); coding-DNA position 2908, G replaced by C.
Protein change: p.Gly970Arg; replaces glycine 970 with arginine.
Molecular consequence: missense variant.
Genome position (GRCh38, 1-based): chr16:88,430,378, G>C. VCF-style: chr16-88430378-G-C. GRCh37 (hg19) VCF-style: chr16-88496786-G-C.
Other names: short protein forms G970R.
Identifiers: ClinVar variation 2840528 (VCV002840528.3), dbSNP rs2507580830, ClinGen allele CA397076129.